The following is an entry in ClinVar:

NM_016343.4(CENPF):c.6984G>A (p.Glu2328=)

Gene: CENPF (centromere protein F; plus strand). Cytogenetic location: 1q41.
Variant type: single nucleotide variant.
Coding change: c.6984G>A on transcript NM_016343.4 (MANE Select); coding-DNA position 6984, G replaced by A.
Protein change: p.Glu2328=; no amino-acid change (glutamic acid 2328 retained).
Molecular consequence: synonymous variant.
Genome position (GRCh38, 1-based): chr1:214,646,554, G>A. VCF-style: chr1-214646554-G-A. GRCh37 (hg19) VCF-style: chr1-214819897-G-A.
Identifiers: ClinVar variation 770861 (VCV000770861.37), dbSNP rs41277192, ClinGen allele CA1391045.

ClinVar aggregate classification (germline): Benign/Likely benign. Review status: criteria provided, multiple submitters, no conflicts (2 of 4 stars). 5 submissions from 5 submitters: Benign (4); Likely benign (1). Last evaluated 2026-02-01.

Allele frequency attached by ClinVar (database versions not stated): TOPMed 0.00523; gnomAD 0.00529 and 0.00505; ESP Exome Variant Server 0.00615; 1000 Genomes Project 30x 0.00422; 1000 Genomes Project 0.00439; ExAC 0.00642; gnomAD exomes 0.00645 and 0.00790.

Submissions (5):

Labcorp Genetics (formerly Invitae), Labcorp
Classification: Benign. Last evaluated: 2026-02-01. Review status: criteria provided, single submitter. Criteria: Invitae Variant Classification Sherloc (09022015). Collection method: clinical testing. Allele origin: germline.

Blueprint Genetics
Classification: Likely benign. Last evaluated: 2024-11-26. Review status: criteria provided, single submitter. Criteria: ACMG Guidelines, 2015. Collection method: clinical testing. Allele origin: germline.

CeGaT Center for Human Genetics Tuebingen
Classification: Benign. Last evaluated: 2024-07-01. Review status: criteria provided, single submitter. Criteria: CeGaT Center For Human Genetics Tuebingen Variant Classification Criteria Version 2. Collection method: clinical testing. Allele origin: germline. Affected: yes. Observed: 6 variant alleles.
Comment: CENPF: BP4, BP7, BS1, BS2

GeneDx
Classification: Benign. Last evaluated: 2021-03-16. Review status: criteria provided, single submitter. Criteria: GeneDx Variant Classification Process June 2021. Collection method: clinical testing. Allele origin: germline. Affected: yes.

Breakthrough Genomics
Classification: Benign. Review status: criteria provided, single submitter. Criteria: ACMG Guidelines, 2015. Collection method: not provided. Allele origin: germline. Inheritance: Autosomal recessive inheritance. Affected: yes.